The following is an entry in ClinVar:

NM_001270974.2(HYDIN):c.7720_7722delinsAC (p.Pro2574fs)

Gene: HYDIN (HYDIN axonemal central pair apparatus protein; minus strand). Cytogenetic location: 16q22.2.
Variant type: Indel.
Coding change: c.7720_7722delinsAC on transcript NM_001270974.2 (MANE Select); coding-DNA positions 7720 to 7722, CCA replaced by AC.
Protein change: p.Pro2574fs; shifts the reading frame from proline 2574.
Molecular consequence: frameshift variant.
Genome position (GRCh38, 1-based): chr16:70,920,654-70,920,656, TGG replaced by GT on the plus strand (CCA replaced by AC on the coding strand, the reverse complement: HYDIN is on the minus strand). VCF-style: chr16-70920654-TGG-GT. GRCh37 (hg19) VCF-style: chr16-70954557-TGG-GT.
Other names: short protein forms P2574fs.
Identifiers: ClinVar variation 5019052 (VCV005019052.2).

ClinVar aggregate classification (germline): Likely pathogenic (1 of 4 stars; one submission).

Conditions:
Primary ciliary dyskinesia 5. Also called: CILIARY DYSKINESIA, PRIMARY, 5, WITHOUT SITUS INVERSUS. Identifiers: Orphanet 244, MedGen C1837615, MONDO:0012088, OMIM 608647.

Submission:

Juno Genomics, Hangzhou Juno Genomics, Inc
Classification: Likely pathogenic for Primary ciliary dyskinesia 5. Review status: criteria provided, single submitter. Criteria: ACMG Guidelines, 2015. Collection method: clinical testing. Allele origin: germline.
Comment: Absent from controls (or at extremely low frequency if recessive) in Genome Aggregation Database.;Null variant in a gene where loss of function (LOF) is a known mechanism of disease.